The following is an entry in ClinVar:

ClinVar aggregate classification (germline): Likely pathogenic (1 of 4 stars; one submission).

Conditions:
Glycogen storage disease type III (GSD3). Also called: FORBES DISEASE; Cori disease. Identifiers: Orphanet 366, MedGen C0017922, MONDO:0009291, OMIM 232400.

Submission:

Myriad Genetics, Inc.
Classification: Likely pathogenic for Glycogen storage disease type III. Last evaluated: 2022-04-13. Review status: criteria provided, single submitter. Criteria: Myriad Women's Health Autosomal Recessive and X-Linked Classification Criteria (2021). Collection method: clinical testing. Allele origin: unknown.
Comment: NM_000642.2(AGL):c.1536C>A(Y512*) is expected to be pathogenic in the context of glycogen storage disease type III. This variant is predicted to lead to an abnormal or absent protein product due to the creation of a premature termination codon in AGL, a gene where loss-of-function variants are known to be pathogenic. Please note: this variant was assessed in the context of healthy population screening.

NM_000642.3(AGL):c.1536C>A (p.Tyr512Ter)

Gene: AGL (amylo-alpha-1,6-glucosidase and 4-alpha-glucanotransferase; plus strand). Cytogenetic location: 1p21.2.
Variant type: single nucleotide variant.
Coding change: c.1536C>A on transcript NM_000642.3 (MANE Select); coding-DNA position 1536, C replaced by A.
Protein change: p.Tyr512Ter; replaces tyrosine 512 with a stop codon.
Molecular consequence: nonsense.
Genome position (GRCh38, 1-based): chr1:99,877,753, C>A. VCF-style: chr1-99877753-C-A. GRCh37 (hg19) VCF-style: chr1-100343309-C-A.
Other names: c.1536C>A, p.Tyr512Ter (NM_000028.3, NM_000643.3, NM_000644.3 and 2 more transcripts); c.1488C>A, p.Tyr496Ter (NM_000646.3); c.1335C>A, p.Tyr445Ter (NM_001425327.1); c.1332C>A, p.Tyr444Ter (NM_001425328.1, NM_001425329.1); c.1158C>A, p.Tyr386Ter (NM_001425332.1); short protein forms Y496*, Y512*, Y386*, Y444*, Y445*.
Identifiers: ClinVar variation 1725908 (VCV001725908.2), dbSNP rs2524621713, ClinGen allele CA341314732.